The following is an entry in ClinVar:

ClinVar aggregate classification (germline): Uncertain significance (1 of 4 stars; one submission).

Conditions:
Beckwith-Wiedemann syndrome (BWS). Also called: EMG SYNDROME; Exomphalos macroglossia gigantism syndrome. Identifiers: Orphanet 116, MedGen C0004903, MONDO:0007534, OMIM 130650.

Submission:

Labcorp Genetics (formerly Invitae), Labcorp
Classification: Uncertain significance for Beckwith-Wiedemann syndrome. Last evaluated: 2023-10-03. Review status: criteria provided, single submitter. Criteria: Invitae Variant Classification Sherloc (09022015). Collection method: clinical testing. Allele origin: germline.
Comment: This sequence change replaces proline, which is neutral and non-polar, with alanine, which is neutral and non-polar, at codon 188 of the CDKN1C protein (p.Pro188Ala). The frequency data for this variant in the population databases is considered unreliable, as metrics indicate insufficient coverage at this position in the gnomAD database. This variant has not been reported in the literature in individuals affected with CDKN1C-related conditions. Advanced modeling of protein sequence and biophysical properties (such as structural, functional, and spatial information, amino acid conservation, physicochemical variation, residue mobility, and thermodynamic stability) performed at Invitae indicates that this missense variant is not expected to disrupt CDKN1C protein function. In summary, the available evidence is currently insufficient to determine the role of this variant in disease. Therefore, it has been classified as a Variant of Uncertain Significance.

NM_001122630.2(CDKN1C):c.529C>G (p.Pro177Ala)

Gene: CDKN1C (cyclin dependent kinase inhibitor 1C; minus strand). Cytogenetic location: 11p15.4.
Variant type: single nucleotide variant.
Coding change: c.529C>G on transcript NM_001122630.2 (MANE Select); coding-DNA position 529, C replaced by G.
Protein change: p.Pro177Ala; replaces proline 177 with alanine.
Molecular consequence: missense variant. On other transcripts: intron variant (1).
Genome position (GRCh38, 1-based): chr11:2,884,928, G>C on the plus strand (C>G on the coding strand, the complement: CDKN1C is on the minus strand). VCF-style: chr11-2884928-G-C. GRCh37 (hg19) VCF-style: chr11-2906158-G-C.
Other names: c.562C>G, p.Pro188Ala (NM_000076.2, NM_001362474.2); c.529C>G, p.Pro177Ala (NM_001122631.2); c.255+274C>G (NM_001362475.2); short protein forms P177A, P188A.
Identifiers: ClinVar variation 2738716 (VCV002738716.3), dbSNP rs1474613343, ClinGen allele CA379146459.